The following is an entry in ClinVar:

ClinVar aggregate classification (germline): Pathogenic/Likely pathogenic. Review status: criteria provided, multiple submitters, no conflicts (2 of 4 stars). 2 submissions from 2 submitters: Pathogenic (1); Likely pathogenic (1). Last evaluated 2022-08-04.

Conditions:
PDCD10-related disorder. Also called: PDCD10-related condition.
Cerebral cavernous malformation 3. Also called: Familial Cerebral Cavernous Malformation 3. Identifiers: Orphanet 221061, MedGen C1864040, MONDO:0011305, OMIM 603285.

Submissions (2):

Labcorp Genetics (formerly Invitae), Labcorp
Classification: Pathogenic for Cerebral cavernous malformation 3. Last evaluated: 2022-08-04. Review status: criteria provided, single submitter. Criteria: Invitae Variant Classification Sherloc (09022015). Collection method: clinical testing. Allele origin: germline.
Comment: This sequence change creates a premature translational stop signal (p.Glu54Ilefs*10) in the PDCD10 gene. It is expected to result in an absent or disrupted protein product. Loss-of-function variants in PDCD10 are known to be pathogenic (PMID: 15543491, 18300272, 23801932). This variant is not present in population databases (gnomAD no frequency). This variant has not been reported in the literature in individuals affected with PDCD10-related conditions. ClinVar contains an entry for this variant (Variation ID: 468328). For these reasons, this variant has been classified as Pathogenic.

Blueprint Genetics
Classification: Likely pathogenic for PDCD10-related disorders. Last evaluated: 2021-11-16. Review status: criteria provided, single submitter. Criteria: ACMG Guidelines, 2015. Collection method: clinical testing. Allele origin: germline. Affected: yes. Observed: 1 variant allele.

Literature cited by the submitters: PubMed 15543491 (cited by Labcorp Genetics (formerly Invitae), Labcorp); PubMed 18300272 (cited by Labcorp Genetics (formerly Invitae), Labcorp); PubMed 23801932 (cited by Labcorp Genetics (formerly Invitae), Labcorp).

NM_007217.4(PDCD10):c.160_163del (p.Glu54fs)

Gene: PDCD10 (programmed cell death 10; minus strand). Cytogenetic location: 3q26.1.
Variant type: Deletion.
Coding change: c.160_163del on transcript NM_007217.4 (MANE Select); coding-DNA positions 160 to 163, 4 bases deleted (GAAA; older notation c.160_163delGAAA).
Protein change: p.Glu54fs; shifts the reading frame from glutamic acid 54.
Molecular consequence: frameshift variant.
Genome position (GRCh38, 1-based): chr3:167,697,114-167,697,117, TTTC deleted on the plus strand (GAAA on the coding strand, the reverse complement: PDCD10 is on the minus strand); deleting any 4 consecutive bases within chr3:167,697,114-167,697,120 gives the same sequence; the c. name uses the placement nearest the transcript's 3' end. VCF-style (leftmost placement, unchanged base first): chr3-167697113-TTTTC-T. GRCh37 (hg19) VCF-style: chr3-167414901-TTTTC-T.
Other names: c.160_163del, p.Glu54fs (NM_145859.2, NM_145860.2); c.160_163delGAAA (NM_145860.1); short protein forms E54fs.
Identifiers: ClinVar variation 468328 (VCV000468328.6), dbSNP rs1553761266, ClinGen allele CA658657345.